The following is an entry in ClinVar:

ClinVar aggregate classification (germline): Pathogenic. Review status: criteria provided, multiple submitters, no conflicts (2 of 4 stars). 3 submissions from 3 submitters: Pathogenic (3). Last evaluated 2023-10-20.

Conditions:
Mowat-Wilson syndrome (MOWS). Also called: Classic Mowat-Wilson Syndrome. Identifiers: Orphanet 2152, MedGen C1856113, MONDO:0009341, OMIM 235730.

Submissions (3):

Medical Genetics Unit, Azienda USL-IRCCS di Reggio Emilia
Classification: Pathogenic for Mowat-Wilson syndrome. Last evaluated: 2023-10-20. Review status: criteria provided, single submitter. Criteria: ACMG Guidelines, 2015. Collection method: clinical testing. Allele origin: de novo. Affected: yes. Observed: 3 variant alleles.
Comment: Heterozygous variant associated with Mowat-Wilson syndrome in at least 1 individual. ACMG/AMP criteria PVS1, PS2, PM2, PP1, PP4

GeneDx
Classification: Pathogenic. Last evaluated: 2023-05-15. Review status: criteria provided, single submitter. Criteria: GeneDx Variant Classification Process June 2021. Collection method: clinical testing. Allele origin: germline. Affected: yes.
Comment: Nonsense variant predicted to result in protein truncation or nonsense mediated decay in a gene for which loss of function is a known mechanism of disease; Not observed at significant frequency in large population cohorts (gnomAD); This variant is associated with the following publications: (PMID: 25525159, 27831545, 19006215, 19215041)

3billion
Classification: Pathogenic for Mowat-Wilson syndrome. Last evaluated: 2022-05-22. Review status: criteria provided, single submitter. Criteria: ACMG Guidelines, 2015. Collection method: clinical testing. Allele origin: germline. Affected: yes. Observed: 1 heterozygote.
Comment: The variant is not observed in the gnomAD v2.1.1 dataset. Stop-gained (nonsense): predicted to result in a loss or disruption of normal protein function through nonsense-mediated decay (NMD) or protein truncation. Multiple pathogenic variants are reported downstream of the variant. The variant has been previously reported as assumed (i.e. paternity and maternity not confirmed) de novo in at least one similarly affected unrelated individual (PMID: 19006215). Therefore, this variant is classified as pathogenic according to the recommendation of ACMG/AMP guideline.

Literature cited by the submitters: PubMed 29300384 (cited by Medical Genetics Unit, Azienda USL-IRCCS di Reggio Emilia); PubMed 19006215 (cited by 3billion).

NM_014795.4(ZEB2):c.310C>T (p.Gln104Ter)

Gene: ZEB2 (zinc finger E-box binding homeobox 2; minus strand). Cytogenetic location: 2q22.3.
Variant type: single nucleotide variant.
Coding change: c.310C>T on transcript NM_014795.4 (MANE Select); coding-DNA position 310, C replaced by T.
Protein change: p.Gln104Ter; replaces glutamine 104 with a stop codon.
Molecular consequence: nonsense.
Genome position (GRCh38, 1-based): chr2:144,429,790, G>A on the plus strand (C>T on the coding strand, the complement: ZEB2 is on the minus strand). VCF-style: chr2-144429790-G-A. GRCh37 (hg19) VCF-style: chr2-145187357-G-A.
Other names: c.310C>T, p.Gln104Ter (NM_001171653.2); c.310C>T (NM_014795.3); short protein forms Q104*.
Identifiers: ClinVar variation 1687172 (VCV001687172.4), dbSNP rs753880265, ClinGen allele CA348718599.
Genomic context (GRCh38, chr2:144,429,790, plus strand): 5'-GATGGTACAGGAAGAGGCCAAGTGATTTTAGACACTTACCTGGACCATCTACAGAGGCTT[G>A]TAGAATCTCGTTGTTGTGCCAGGGGTGTTCCACTCCACCCTCCCTTATTTCATCTTCCTC-3'